The following is an entry in ClinVar:

ClinVar aggregate classification (germline): Likely pathogenic (1 of 4 stars; one submission).

Conditions:
Cardiac arrhythmia. Also called: Arrhythmia; Cardiac rhythm disease. Identifiers: MedGen C0003811, MONDO:0007263, HP:0011675.

Submission:

Women's Health and Genetics/Laboratory Corporation of America, LabCorp
Classification: Likely pathogenic for Cardiac arrhythmia. Last evaluated: 2021-05-10. Review status: criteria provided, single submitter. Criteria: LabCorp Variant Classification Summary - May 2015. Collection method: clinical testing. Allele origin: germline.
Comment: Variant summary: KCNH2 c.2959dupC (p.Leu987ProfsX132) results in a premature termination codon, predicted to cause a truncation of the encoded protein or absence of the protein due to nonsense mediated decay, which are commonly known mechanisms for disease. Truncations downstream of this position have been classified as pathogenic by our laboratory. The variant was absent in 245786 control chromosomes (gnomAD). To our knowledge, no occurrence of c.2959dupC in individuals affected with Arrhythmia and no experimental evidence demonstrating its impact on protein function have been reported. No clinical diagnostic laboratories have submitted clinical-significance assessments for this variant to ClinVar after 2014. Based on the evidence outlined above, the variant was classified as likely pathogenic.

Literature cited by the submitters: PubMed 29650123.

NM_000238.4(KCNH2):c.2959dup (p.Leu987fs)

Gene: KCNH2 (potassium voltage-gated channel subfamily H member 2; minus strand). Cytogenetic location: 7q36.1.
Variant type: Duplication.
Coding change: c.2959dup on transcript NM_000238.4 (MANE Select); coding-DNA position 2959, one base duplicated (C; older notation c.2959dupC).
Protein change: p.Leu987fs; shifts the reading frame from leucine 987.
Molecular consequence: frameshift variant.
Genome position (GRCh38, 1-based): chr7:150,947,612, G duplicated on the plus strand (C on the coding strand, the reverse complement: KCNH2 is on the minus strand); the first of 5 consecutive G bases (chr7:150,947,612-150,947,616); duplicating any one gives the same sequence. VCF-style (leftmost placement, unchanged base first): chr7-150947611-A-AG. GRCh37 (hg19) VCF-style: chr7-150644699-A-AG.
Other names: c.1939dup, p.Leu647fs (NM_172057.3); short protein forms L647fs, L987fs.
Identifiers: ClinVar variation 1098796 (VCV001098796.3), dbSNP rs2116931511, ClinGen allele CA2499218787.